The following is an entry in ClinVar:

NM_001040716.2(PC):c.96G>A (p.Leu32=)

Gene: PC (pyruvate carboxylase; minus strand). Cytogenetic location: 11q13.2.
Variant type: single nucleotide variant.
Coding change: c.96G>A on transcript NM_001040716.2 (MANE Select); coding-DNA position 96, G replaced by A.
Protein change: p.Leu32=; no amino-acid change (leucine 32 retained).
Molecular consequence: synonymous variant.
Genome position (GRCh38, 1-based): chr11:66,872,064, C>T on the plus strand (G>A on the coding strand, the complement: PC is on the minus strand). VCF-style: chr11-66872064-C-T. GRCh37 (hg19) VCF-style: chr11-66639535-C-T.
Other names: c.96G>A, p.Leu32= (NM_000920.4, NM_022172.3).
Identifiers: ClinVar variation 381070 (VCV000381070.5), dbSNP rs1057520946, ClinGen allele CA16606983.
Genomic context (GRCh38, chr11:66,872,064, plus strand): 5'-CCGGCCCCACTGGTGCTCACCTCTGTTGGCCACCATGACTTTCTTGATGGGCTTATACTC[C>T]AGGCGCCGGACATTTGGGGAGGCAGCGGGGGCGGTGGAGGTTCGGCGGATTCCCAGGAGC-3'
Protein context (NP_001035806.1, residues 22-42): APAASPNVRR[Leu32=]EYKPIKKVMV

ClinVar aggregate classification (germline): Likely benign. Review status: criteria provided, multiple submitters, no conflicts (2 of 4 stars). 2 submissions from 2 submitters: Likely benign (2). Last evaluated 2023-12-12.

Conditions:
Pyruvate carboxylase deficiency. Also called: LEIGH NECROTIZING ENCEPHALOPATHY DUE TO PYRUVATE CARBOXYLASE DEFICIENCY; LEIGH SYNDROME DUE TO PYRUVATE CARBOXYLASE DEFICIENCY; PC DEFICIENCY; Pyruvate Carboxylase Deficiency Disease; ATAXIA WITH LACTIC ACIDOSIS II. Identifiers: Orphanet 3008, MedGen C0034341, MONDO:0009949, OMIM 266150.

gnomAD v4.1: 1 of 1,564,394 alleles (0.000064%); highest among the groups gnomAD compares: Non-Finnish European, 0.000087%; no homozygotes.

Submissions (2):

Labcorp Genetics (formerly Invitae), Labcorp
Classification: Likely benign for Pyruvate carboxylase deficiency. Last evaluated: 2023-12-12. Review status: criteria provided, single submitter. Criteria: Invitae Variant Classification Sherloc (09022015). Collection method: clinical testing. Allele origin: germline.

GeneDx
Classification: Likely benign. Last evaluated: 2015-11-11. Review status: criteria provided, single submitter. Criteria: GeneDx Variant Classification (06012015). Collection method: clinical testing. Allele origin: germline. Affected: yes.
Comment: This variant is considered likely benign or benign based on one or more of the following criteria: it is a conservative change, it occurs at a poorly conserved position in the protein, it is predicted to be benign by multiple in silico algorithms, and/or has population frequency not consistent with disease.